The following is an entry in ClinVar:

NM_001360016.2(G6PD):c.1372C>T (p.Leu458Phe)

Gene: G6PD (glucose-6-phosphate dehydrogenase; minus strand). Cytogenetic location: Xq28.
Variant type: single nucleotide variant.
Coding change: c.1372C>T on transcript NM_001360016.2 (MANE Select); coding-DNA position 1372, C replaced by T.
Protein change: p.Leu458Phe; replaces leucine 458 with phenylalanine.
Molecular consequence: missense variant.
Genome position (GRCh38, 1-based): chrX:154,532,273, G>A on the plus strand (C>T on the coding strand, the complement: G6PD is on the minus strand). VCF-style: chrX-154532273-G-A. GRCh37 (hg19) VCF-style: chrX-153760488-G-A.
Other names: c.1462C>T, p.Leu488Phe (NM_000402.4); c.1372C>T, p.Leu458Phe (NM_001042351.3); short protein forms L458F, L488F.
Identifiers: ClinVar variation 1722633 (VCV001722633.2), dbSNP rs2523261317, ClinGen allele CA415232671.
Genomic context (GRCh38, chrX:154,532,273, plus strand): 5'-TGGGCTTCTCCAGCTCAATCTGGTGCAGCAGTGGGGTGAAAATACGCCAGGCCTCACGGA[G>A]CTCGTCGCTGAGGGGACATGGTATGGCTTGGGAGGCCGGTGGCACACAGGGAGGGAGGGC-3'
Protein context (NP_001346945.1, residues 448-468): SQMHFVRSDE[Leu458Phe]REAWRIFTPL

ClinVar aggregate classification (germline): Likely pathogenic (1 of 4 stars; one submission).

Conditions:
Anemia, nonspherocytic hemolytic, due to G6PD deficiency (CNSHA1). Also called: Hemolytic anemia due to G6PD deficiency; Class I glucose-6-phosphate dehydrogenase deficiency; Favism, susceptibility to; ANEMIA, CONGENITAL, NONSPHEROCYTIC HEMOLYTIC, 1. Identifiers: Orphanet 466026, MedGen C2720289, MONDO:0010480, OMIM 300908.

Submission:

Dunham Lab, University of Washington
Classification: Likely pathogenic for Anemia, nonspherocytic hemolytic, due to G6PD deficiency. Last evaluated: 2022-08-12. Review status: criteria provided, single submitter. Criteria: Bayesian ACMG Guidelines, 2018. Collection method: curation. Allele origin: unknown. Affected: yes.
Comment: Decreased actvity in red blood cells (48%) (PS3). Not found in gnomAD (PM2). Post_P 0.949 (odds of pathogenicity 168.4, Prior_P 0.1).

Literature cited by the submitters: PubMed 32425388.